The following is an entry in ClinVar:

ClinVar aggregate classification (germline): Uncertain significance. Review status: criteria provided, multiple submitters, no conflicts (2 of 4 stars). 3 submissions from 3 submitters: Uncertain significance (3). Last evaluated 2026-01-31.

Conditions:
Hereditary cancer-predisposing syndrome. Also called: Hereditary Cancer Syndrome; Neoplastic Syndromes, Hereditary; Hereditary neoplastic syndrome; Tumor predisposition. Identifiers: Orphanet 140162, MedGen C0027672, MeSH D009386, MONDO:0015356.
Nijmegen breakage syndrome-like disorder (NBSLD). Also called: MICROCEPHALY AND SPONTANEOUS CHROMOSOME INSTABILITY WITHOUT IMMUNODEFICIENCY; NBS-LIKE DISORDER; RAD50 DEFICIENCY. Identifiers: Orphanet 240760, MedGen C2751318, MONDO:0013118, OMIM 613078.

Allele frequency attached by ClinVar (database versions not stated): TOPMed 0.00002; gnomAD 0.00004 and 0.00005; gnomAD exomes 0.00006; ExAC 0.00007; 1000 Genomes Project 30x 0.00016; 1000 Genomes Project 0.00020.
gnomAD v4.1: 41 of 1,613,872 alleles (0.0025%); highest among the groups gnomAD compares: East Asian, 0.054%; no homozygotes.

Submissions (3):

Labcorp Genetics (formerly Invitae), Labcorp
Classification: Uncertain significance for Hereditary cancer-predisposing syndrome. Last evaluated: 2026-01-31. Review status: criteria provided, single submitter. Criteria: Invitae Variant Classification Sherloc (09022015). Collection method: clinical testing. Allele origin: germline.
Comment: This sequence change replaces alanine, which is neutral and non-polar, with serine, which is neutral and polar, at codon 171 of the RAD50 protein (p.Ala171Ser). This variant is present in population databases (rs143483210, gnomAD 0.08%). This missense change has been observed in individual(s) with breast cancer (PMID: 24894818). ClinVar contains an entry for this variant (Variation ID: 142739). Invitae Evidence Modeling of protein sequence and biophysical properties (such as structural, functional, and spatial information, amino acid conservation, physicochemical variation, residue mobility, and thermodynamic stability) indicates that this missense variant is not expected to disrupt RAD50 protein function with a negative predictive value of 80%. In summary, the available evidence is currently insufficient to determine the role of this variant in disease. Therefore, it has been classified as a Variant of Uncertain Significance.

Ambry Genetics
Classification: Uncertain significance for Hereditary cancer-predisposing syndrome. Last evaluated: 2022-11-09. Review status: criteria provided, single submitter. Criteria: Ambry Variant Classification Scheme 2023. Collection method: clinical testing. Allele origin: germline.
Comment: The p.A171S variant (also known as c.511G>T), located in coding exon 4 of the RAD50 gene, results from a G to T substitution at nucleotide position 511. The alanine at codon 171 is replaced by serine, an amino acid with similar properties. This variant was reported in 1/1313 early-onset breast cancer cases and 0/1123 population controls (Damiola F et al, 2014 Jun;16:R58). This alteration was also identified in an individual diagnosed with breast cancer who had a family history of breast and/or ovarian cancer (Wang J et al. Cancer Med, 2019 05;8:2074-2084). This amino acid position is well conserved in available vertebrate species. In addition, this alteration is predicted to be tolerated by in silico analysis. Since supporting evidence is limited at this time, the clinical significance of this alteration remains unclear.

Sema4
Classification: Uncertain significance for Nijmegen breakage syndrome-like disorder. Last evaluated: 2021-11-15. Review status: criteria provided, single submitter. Criteria: Sema4 Curation Guidelines. Collection method: curation. Allele origin: germline.
Comment: The RAD50 c.511G>T (p.A171S) variant has been reported in individuals with breast and lung cancer, as well as in healthy controls (PMID: 33471991, 24894818, 32077636). It was observed in 17/19952 chromosomes of the East Asian subpopulation, with no homozygotes, in the large and broad cohorts of the Genome Aggregation Database (PMID: 32461654). The variant has been reported in ClinVar (Variation ID: 142739). In silico tools suggest the impact of the variant on protein function is benign, though these predictions have not been confirmed by functional studies. The evidence is insufficient to meet ACMG/AMP criteria for classifying the variant as benign or pathogenic. Thus, the clinical significance of this variant is currently uncertain.

Literature cited by the submitters: PubMed 24894818 (cited by 3 submitters); PubMed 30982232 (cited by Ambry Genetics); PubMed 33471991 (cited by Sema4); PubMed 32077636 (cited by Sema4).

NM_005732.4(RAD50):c.511G>T (p.Ala171Ser)

Gene: RAD50 (RAD50 double strand break repair protein; plus strand). Cytogenetic location: 5q31.1.
Variant type: single nucleotide variant.
Coding change: c.511G>T on transcript NM_005732.4 (MANE Select); coding-DNA position 511, G replaced by T.
Protein change: p.Ala171Ser; replaces alanine 171 with serine.
Molecular consequence: missense variant.
Genome position (GRCh38, 1-based): chr5:132,579,462, G>T. VCF-style: chr5-132579462-G-T. GRCh37 (hg19) VCF-style: chr5-131915154-G-T.
Other names: short protein forms A171S.
Identifiers: ClinVar variation 142739 (VCV000142739.15), dbSNP rs143483210, ClinGen allele CA169280.